The following is an entry in ClinVar:

NM_024079.5(ALG8):c.1256C>T (p.Pro419Leu)

Gene: ALG8 (ALG8 alpha-1,3-glucosyltransferase; minus strand). Cytogenetic location: 11q14.1.
Variant type: single nucleotide variant.
Coding change: c.1256C>T on transcript NM_024079.5 (MANE Select); coding-DNA position 1256, C replaced by T.
Protein change: p.Pro419Leu; replaces proline 419 with leucine.
Molecular consequence: missense variant.
Genome position (GRCh38, 1-based): chr11:78,104,376, G>A on the plus strand (C>T on the coding strand, the complement: ALG8 is on the minus strand). VCF-style: chr11-78104376-G-A. GRCh37 (hg19) VCF-style: chr11-77815422-G-A.
Other names: c.1256C>T, p.Pro419Leu (NM_001007027.3); short protein forms P419L.
Identifiers: ClinVar variation 1363458 (VCV001363458.6), dbSNP rs1859926872, ClinGen allele CA382111400.

ClinVar aggregate classification (germline): Uncertain significance (1 of 4 stars; one submission).

Conditions:
ALG8 congenital disorder of glycosylation. Also called: CDG Ih; ALG8-CDG; CONGENITAL DISORDER OF GLYCOSYLATION, TYPE Ih. Identifiers: Orphanet 79325, MedGen C2931002, MONDO:0011969, OMIM 608104.

Allele frequency attached by ClinVar (database versions not stated): gnomAD 0.00001.

Submission:

Labcorp Genetics (formerly Invitae), Labcorp
Classification: Uncertain significance for ALG8 congenital disorder of glycosylation. Last evaluated: 2023-08-04. Review status: criteria provided, single submitter. Criteria: Invitae Variant Classification Sherloc (09022015). Collection method: clinical testing. Allele origin: germline.
Comment: In summary, the available evidence is currently insufficient to determine the role of this variant in disease. Therefore, it has been classified as a Variant of Uncertain Significance. Advanced modeling of protein sequence and biophysical properties (such as structural, functional, and spatial information, amino acid conservation, physicochemical variation, residue mobility, and thermodynamic stability) performed at Invitae indicates that this missense variant is expected to disrupt ALG8 protein function. ClinVar contains an entry for this variant (Variation ID: 1363458). This missense change has been observed in individual(s) with clinical features of ALG8-congenital disorder of glycosylation (Invitae). This variant is not present in population databases (gnomAD no frequency). This sequence change replaces proline, which is neutral and non-polar, with leucine, which is neutral and non-polar, at codon 419 of the ALG8 protein (p.Pro419Leu).